The following is an entry in ClinVar:

ClinVar aggregate classification (germline): Uncertain significance. Review status: criteria provided, multiple submitters, no conflicts (2 of 4 stars). 2 submissions from 2 submitters: Uncertain significance (2). Last evaluated 2025-03-29.

Conditions:
Hereditary pancreatitis (PCTT). Also called: PRSS1-Related Hereditary Pancreatitis; Hereditary chronic pancreatitis. Identifiers: Orphanet 676, MedGen C0238339, MONDO:0008185, OMIM 167800.

Submissions (2):

Ambry Genetics
Classification: Uncertain significance for Hereditary pancreatitis. Last evaluated: 2025-03-29. Review status: criteria provided, single submitter. Criteria: Ambry Variant Classification Scheme 2023. Collection method: clinical testing. Allele origin: germline.
Comment: The p.Y344C variant (also known as c.1031A>G), located in coding exon 9 of the CPA1 gene, results from an A to G substitution at nucleotide position 1031. The tyrosine at codon 344 is replaced by cysteine, an amino acid with highly dissimilar properties. This amino acid position is conserved. In addition, the in silico prediction for this alteration is inconclusive. Based on the available evidence, the clinical significance of this variant remains unclear.

Labcorp Genetics (formerly Invitae), Labcorp
Classification: Uncertain significance. Last evaluated: 2024-11-10. Review status: criteria provided, single submitter. Criteria: Invitae Variant Classification Sherloc (09022015). Collection method: clinical testing. Allele origin: germline.
Comment: This sequence change replaces tyrosine, which is neutral and polar, with cysteine, which is neutral and slightly polar, at codon 344 of the CPA1 protein (p.Tyr344Cys). This variant is not present in population databases (gnomAD no frequency). This variant has not been reported in the literature in individuals affected with CPA1-related conditions. Invitae Evidence Modeling of protein sequence and biophysical properties (such as structural, functional, and spatial information, amino acid conservation, physicochemical variation, residue mobility, and thermodynamic stability) indicates that this missense variant is expected to disrupt CPA1 protein function with a positive predictive value of 80%. In summary, the available evidence is currently insufficient to determine the role of this variant in disease. Therefore, it has been classified as a Variant of Uncertain Significance.

NM_001868.4(CPA1):c.1031A>G (p.Tyr344Cys)

Gene: CPA1 (carboxypeptidase A1; plus strand). Cytogenetic location: 7q32.2.
Variant type: single nucleotide variant.
Coding change: c.1031A>G on transcript NM_001868.4 (MANE Select); coding-DNA position 1031, A replaced by G.
Protein change: p.Tyr344Cys; replaces tyrosine 344 with cysteine.
Molecular consequence: missense variant.
Genome position (GRCh38, 1-based): chr7:130,385,882, A>G. VCF-style: chr7-130385882-A-G. GRCh37 (hg19) VCF-style: chr7-130025723-A-G.
Other names: c.1031A>G (NM_001868.2); short protein forms Y344C.
Identifiers: ClinVar variation 3716716 (VCV003716716.3).